The following is an entry in ClinVar:

ClinVar aggregate classification (germline): Conflicting classifications of pathogenicity. Review status: criteria provided, conflicting classifications (1 of 4 stars). 2 submissions from 2 submitters: Uncertain significance (1); Likely benign (1). Last evaluated 2025-08-25.

Conditions:
TLR8-related condition.

Allele frequency attached by ClinVar (database versions not stated): ExAC 0.00001; gnomAD 0.00002; TOPMed 0.00002; gnomAD exomes 0.00003.

Submissions (2):

PreventionGenetics, part of Exact Sciences
Classification: Likely benign for TLR8-related condition. Last evaluated: 2025-08-25. Review status: criteria provided, single submitter. Criteria: ACMG Guidelines, 2015. Collection method: clinical testing. Allele origin: germline.
Comment: This variant is classified as likely benign based on ACMG/AMP sequence variant interpretation guidelines (Richards et al. 2015 PMID: 25741868, with internal and published modifications).

Ambry Genetics
Classification: Uncertain significance. Last evaluated: 2024-01-17. Review status: criteria provided, single submitter. Criteria: Ambry Variant Classification Scheme 2023. Collection method: clinical testing. Allele origin: germline.

NM_138636.5(TLR8):c.299T>C (p.Val100Ala)

Genes: TLR8 (toll like receptor 8; plus strand), TLR8-AS1 (TLR8 antisense RNA 1; minus strand). Cytogenetic location: Xp22.2.
Variant type: single nucleotide variant.
Coding change: c.299T>C on transcript NM_138636.5 (MANE Select); coding-DNA position 299, T replaced by C.
Protein change: p.Val100Ala; replaces valine 100 with alanine.
Molecular consequence: missense variant.
Genome position (GRCh38, 1-based): chrX:12,919,339, T>C. VCF-style: chrX-12919339-T-C. GRCh37 (hg19) VCF-style: chrX-12937458-T-C.
Other names: c.353T>C (NM_016610.3); c.353T>C, p.Val118Ala (NM_016610.4); short protein forms V100A, V118A.
Identifiers: ClinVar variation 3178060 (VCV003178060.2), dbSNP rs200981848, ClinGen allele CA10350198.